The following is an entry in ClinVar:

NM_033380.3(COL4A5):c.3899G>C (p.Gly1300Ala)

Gene: COL4A5 (collagen type IV alpha 5 chain; plus strand). Cytogenetic location: Xq22.3.
Variant type: single nucleotide variant.
Coding change: c.3899G>C on transcript NM_033380.3 (MANE Select); coding-DNA position 3899, G replaced by C.
Protein change: p.Gly1300Ala; replaces glycine 1300 with alanine.
Molecular consequence: missense variant.
Genome position (GRCh38, 1-based): chrX:108,677,590, G>C. VCF-style: chrX-108677590-G-C. GRCh37 (hg19) VCF-style: chrX-107920820-G-C.
Other names: c.3881G>C (NM_000495.3); c.3881G>C, p.Gly1294Ala (NM_000495.5); short protein forms G1294A, G1300A.
Identifiers: ClinVar variation 1472131 (VCV001472131.12), dbSNP rs1252928330, ClinGen allele CA413850836.

ClinVar aggregate classification (germline): Conflicting classifications of pathogenicity. Review status: criteria provided, conflicting classifications (1 of 4 stars). 4 submissions from 4 submitters: Likely pathogenic (3); Uncertain significance (1). Last evaluated 2026-02-12.

Conditions:
Inborn genetic diseases. Identifiers: MedGen C0950123, MeSH D030342.
X-linked Alport syndrome (ATS1). Also called: NEPHROPATHY AND DEAFNESS, X-LINKED; COL4A5-Related Nephropathy. Identifiers: Orphanet 63, Orphanet 88917, MedGen C4746986, MONDO:0010520, OMIM 301050.

Allele frequency attached by ClinVar (database versions not stated): gnomAD 0.00001; gnomAD exomes 0.00001 and 0.00003; TOPMed below 0.00001.
gnomAD v4.1: 14 of 1,209,302 alleles (0.0012%); highest among the groups gnomAD compares: East Asian, 0.042%; no homozygotes.

Submissions (4):

Women's Health and Genetics/Laboratory Corporation of America, LabCorp
Classification: Likely pathogenic for X-linked Alport syndrome. Last evaluated: 2026-02-12. Review status: criteria provided, single submitter. Criteria: LabCorp Variant Classification Summary - May 2015. Collection method: clinical testing. Allele origin: germline.
Comment: Variant summary: COL4A5 c.3881G>C (p.Gly1294Ala) results in a non-conservative amino acid change located in the triple-helical region (UniProt) of the encoded protein sequence. This missense variant disrupts a critical glycine residue at position 1 of a Gly-X-Y repeat in the collagenous domain of the collagen IV alpha 5 chain, and variants affecting these glycine residues are significantly enriched in individuals with Alport syndrome (PMID: 33854215). Algorithms developed to predict the effect of missense changes on protein structure and function all suggest that this variant is likely to be disruptive. The variant allele was found at a frequency of 1e-05 in 190888 control chromosomes. To our knowledge, no occurrence of c.3881G>C in individuals affected with COL4A5-related conditions and no experimental evidence demonstrating its impact on protein function have been reported. The following publication has been ascertained in the context of this evaluation (PMID: 40044766). ClinVar contains an entry for this variant (Variation ID: 1472131). Based on the evidence outlined above, the variant was classified as likely pathogenic.

Ambry Genetics
Classification: Uncertain significance for Inborn genetic diseases. Last evaluated: 2024-09-24. Review status: criteria provided, single submitter. Criteria: Ambry Variant Classification Scheme 2023. Collection method: clinical testing. Allele origin: germline.

Fulgent Genetics
Classification: Likely pathogenic for X-linked Alport syndrome. Last evaluated: 2024-06-14. Review status: criteria provided, single submitter. Criteria: ACMG Guidelines, 2015. Collection method: clinical testing. Allele origin: germline.

Labcorp Genetics (formerly Invitae), Labcorp
Classification: Likely pathogenic. Last evaluated: 2023-10-27. Review status: criteria provided, single submitter. Criteria: Invitae Variant Classification Sherloc (09022015). Collection method: clinical testing. Allele origin: germline.
Comment: This sequence change replaces glycine, which is neutral and non-polar, with alanine, which is neutral and non-polar, at codon 1294 of the COL4A5 protein (p.Gly1294Ala). This variant is present in population databases (no rsID available, gnomAD 0.008%). This variant has not been reported in the literature in individuals affected with COL4A5-related conditions. ClinVar contains an entry for this variant (Variation ID: 1472131). Advanced modeling of protein sequence and biophysical properties (such as structural, functional, and spatial information, amino acid conservation, physicochemical variation, residue mobility, and thermodynamic stability) performed at Invitae indicates that this missense variant is expected to disrupt COL4A5 protein function with a positive predictive value of 95%. This variant disrupts the triple helix domain of COL4A5. Glycine residues within the Gly-Xaa-Yaa repeats of the triple helix domain are required for the structure and stability of fibrillar collagens (PMID: 7695699, 8218237, 19344236). In COL4A5, missense variants at these glycine residues are significantly enriched in individuals with disease (PMID: 23720012, 27627812) compared to the general population (ExAC). In summary, the currently available evidence indicates that the variant is pathogenic, but additional data are needed to prove that conclusively. Therefore, this variant has been classified as Likely Pathogenic.

Literature cited by the submitters: PubMed 40044766 (cited by Women's Health and Genetics/Laboratory Corporation of America, LabCorp); PubMed 7695699 (cited by Labcorp Genetics (formerly Invitae), Labcorp); PubMed 8218237 (cited by Labcorp Genetics (formerly Invitae), Labcorp); PubMed 19344236 (cited by Labcorp Genetics (formerly Invitae), Labcorp); PubMed 23720012 (cited by Labcorp Genetics (formerly Invitae), Labcorp); PubMed 27627812 (cited by Labcorp Genetics (formerly Invitae), Labcorp).